The following is an entry in ClinVar:

ClinVar aggregate classification (germline): Uncertain significance (1 of 4 stars; one submission).

Allele frequency attached by ClinVar (database versions not stated): TOPMed below 0.00001; gnomAD 0.00001; gnomAD exomes 0.00001.
gnomAD v4.1: 15 of 1,613,948 alleles (0.00093%); highest among the groups gnomAD compares: African/African-American, 0.0013%; no homozygotes.

Submission:

Labcorp Genetics (formerly Invitae), Labcorp
Classification: Uncertain significance. Last evaluated: 2022-09-27. Review status: criteria provided, single submitter. Criteria: Invitae Variant Classification Sherloc (09022015). Collection method: clinical testing. Allele origin: germline.
Comment: In summary, the available evidence is currently insufficient to determine the role of this variant in disease. Therefore, it has been classified as a Variant of Uncertain Significance. Advanced modeling of protein sequence and biophysical properties (such as structural, functional, and spatial information, amino acid conservation, physicochemical variation, residue mobility, and thermodynamic stability) performed at Invitae indicates that this missense variant is expected to disrupt ABHD12 protein function. ClinVar contains an entry for this variant (Variation ID: 1521885). This missense change has been observed in individuals with clinical features of ABHD12-related conditions (PMID: 34573385; Invitae). This variant is present in population databases (no rsID available, gnomAD 0.002%). This sequence change replaces threonine, which is neutral and polar, with methionine, which is neutral and non-polar, at codon 125 of the ABHD12 protein (p.Thr125Met).

Literature cited by the submitters: PubMed 34573385.

NM_001042472.3(ABHD12):c.374C>T (p.Thr125Met)

Gene: ABHD12 (abhydrolase domain containing 12, lysophospholipase; minus strand). Cytogenetic location: 20p11.21.
Variant type: single nucleotide variant.
Coding change: c.374C>T on transcript NM_001042472.3 (MANE Select); coding-DNA position 374, C replaced by T.
Protein change: p.Thr125Met; replaces threonine 125 with methionine.
Molecular consequence: missense variant.
Genome position (GRCh38, 1-based): chr20:25,323,373, G>A on the plus strand (C>T on the coding strand, the complement: ABHD12 is on the minus strand). VCF-style: chr20-25323373-G-A. GRCh37 (hg19) VCF-style: chr20-25304009-G-A.
Other names: c.374C>T, p.Thr125Met (NM_015600.5); short protein forms T125M.
Identifiers: ClinVar variation 1521885 (VCV001521885.8), dbSNP rs1161391822, ClinGen allele CA408444866.
Genomic context (GRCh38, chr20:25,323,373, plus strand): 5'-ACTGGCACTCACCAGACTCCAATGGTCACGTCTTCCTCTGGCTGCAGGTAGTAGTTACAC[G>A]TGTGATTCAAACCTTGATCCTGTGGTTTTTTCAAATCAATGAAATAGGGAACTCTTACTG-3'
Protein context (NP_001035937.1, residues 115-135): KKPQDQGLNH[Thr125Met]CNYYLQPEED